The following is an entry in ClinVar:

NM_032551.5(KISS1R):c.1159G>C (p.Gly387Arg)

Gene: KISS1R (KISS1 receptor; plus strand). Cytogenetic location: 19p13.3.
Variant type: single nucleotide variant.
Coding change: c.1159G>C on transcript NM_032551.5 (MANE Select); coding-DNA position 1159, G replaced by C.
Protein change: p.Gly387Arg; replaces glycine 387 with arginine.
Molecular consequence: missense variant.
Genome position (GRCh38, 1-based): chr19:920,710, G>C. VCF-style: chr19-920710-G-C. GRCh37 (hg19) VCF-style: chr19-920710-G-C.
Other names: short protein forms G387R.
Identifiers: ClinVar variation 1348905 (VCV001348905.8), dbSNP rs565693558, ClinGen allele CA9028917.
Genomic context (GRCh38, chr19:920,710, plus strand): 5'-GGGTCCCACCCGGCCCCCGCCAGGGCGCAGAAGCCAGGGAGCAGTGGGCTGGCCGCGCGC[G>C]GGCTGTGCGTCCTGGGGGAGGACAACGCCCCTCTCTGAGCGGACCCGGTGGGAATCCGAG-3'
Protein context (NP_115940.2, residues 377-397): KPGSSGLAAR[Gly387Arg]LCVLGEDNAP

ClinVar aggregate classification (germline): Uncertain significance (1 of 4 stars; one submission).

Allele frequency attached by ClinVar (database versions not stated): 1000 Genomes Project 30x 0.00016; 1000 Genomes Project 0.00020; ExAC 0.00075.
gnomAD v4.1: 71 of 1,307,038 alleles (0.0054%); highest among the groups gnomAD compares: South Asian, 0.14%; no homozygotes.

Submission:

Labcorp Genetics (formerly Invitae), Labcorp
Classification: Uncertain significance. Last evaluated: 2022-11-08. Review status: criteria provided, single submitter. Criteria: Invitae Variant Classification Sherloc (09022015). Collection method: clinical testing. Allele origin: germline.
Comment: In summary, the available evidence is currently insufficient to determine the role of this variant in disease. Therefore, it has been classified as a Variant of Uncertain Significance. This variant is present in population databases (rs565693558, gnomAD 0.05%). This variant has not been reported in the literature in individuals affected with KISS1R-related conditions. ClinVar contains an entry for this variant (Variation ID: 1348905). Algorithms developed to predict the effect of missense changes on protein structure and function output the following: SIFT: "Deleterious"; PolyPhen-2: "Benign"; Align-GVGD: "Class C0". The arginine amino acid residue is found in multiple mammalian species, which suggests that this missense change does not adversely affect protein function. This sequence change replaces glycine, which is neutral and non-polar, with arginine, which is basic and polar, at codon 387 of the KISS1R protein (p.Gly387Arg).